The following is an entry in ClinVar:

NM_000264.5(PTCH1):c.3872G>A (p.Gly1291Glu)

Gene: PTCH1 (patched 1; minus strand). Cytogenetic location: 9q22.32.
Variant type: single nucleotide variant.
Coding change: c.3872G>A on transcript NM_000264.5 (MANE Select); coding-DNA position 3872, G replaced by A.
Protein change: p.Gly1291Glu; replaces glycine 1291 with glutamic acid.
Molecular consequence: missense variant. On other transcripts: non-coding transcript variant (1).
Genome position (GRCh38, 1-based): chr9:95,447,384, C>T on the plus strand (G>A on the coding strand, the complement: PTCH1 is on the minus strand). VCF-style: chr9-95447384-C-T. GRCh37 (hg19) VCF-style: chr9-98209666-C-T.
Other names: c.3419G>A, p.Gly1140Glu (NM_001083606.3, NM_001083607.3, NM_001083604.3 and 1 more transcripts); c.3716G>A, p.Gly1239Glu (NM_001354918.2); c.3674G>A, p.Gly1225Glu (NM_001083602.3); c.3869G>A, p.Gly1290Glu (NM_001083603.3); short protein forms G1225E, G1290E, G1291E, G1140E, G1239E.
Identifiers: ClinVar variation 2829045 (VCV002829045.3), dbSNP rs2136583447, ClinGen allele CA374110747.
Genomic context (GRCh38, chr9:95,447,384, plus strand): 5'-AAGCCTTCTCTGGGGGGGTCCCTGCGGGGCTGCTGGCCTTGCCGTCCGGGAGGCAGGGAC[C>T]CTGAGTCCAGGTGGGGCTGCTGTCTCGGGTTCGAGGGTGGGTGATGCCTGGATTCGGGAT-3'
Protein context (NP_000255.2, residues 1281-1301): NPRQQPHLDS[Gly1291Glu]SLPPGRQGQQ

ClinVar aggregate classification (germline): Uncertain significance (1 of 4 stars; one submission).

Conditions:
Gorlin syndrome. Also called: Nevoid Basal Cell Carcinoma Syndrome; Basal cell nevus syndrome. Identifiers: Orphanet 377, MedGen C0004779, MONDO:0007187.

Submission:

Labcorp Genetics (formerly Invitae), Labcorp
Classification: Uncertain significance for Gorlin syndrome. Last evaluated: 2023-01-16. Review status: criteria provided, single submitter. Criteria: Invitae Variant Classification Sherloc (09022015). Collection method: clinical testing. Allele origin: germline.
Comment: Advanced modeling of protein sequence and biophysical properties (such as structural, functional, and spatial information, amino acid conservation, physicochemical variation, residue mobility, and thermodynamic stability) performed at Invitae indicates that this missense variant is not expected to disrupt PTCH1 protein function. This sequence change replaces glycine, which is neutral and non-polar, with glutamic acid, which is acidic and polar, at codon 1291 of the PTCH1 protein (p.Gly1291Glu). This variant is not present in population databases (gnomAD no frequency). This variant has not been reported in the literature in individuals affected with PTCH1-related conditions. In summary, the available evidence is currently insufficient to determine the role of this variant in disease. Therefore, it has been classified as a Variant of Uncertain Significance.